The following is an entry in ClinVar:

NM_182914.3(SYNE2):c.12844A>T (p.Met4282Leu)

Gene: SYNE2 (spectrin repeat containing nuclear envelope protein 2; plus strand). Cytogenetic location: 14q23.2.
Variant type: single nucleotide variant.
Coding change: c.12844A>T on transcript NM_182914.3 (MANE Select); coding-DNA position 12844, A replaced by T.
Protein change: p.Met4282Leu; replaces methionine 4282 with leucine.
Molecular consequence: missense variant.
Genome position (GRCh38, 1-based): chr14:64,119,430, A>T. VCF-style: chr14-64119430-A-T. GRCh37 (hg19) VCF-style: chr14-64586148-A-T.
Other names: c.12844A>T, p.Met4282Leu (NM_015180.6); short protein forms M4282L.
Identifiers: ClinVar variation 3721727 (VCV003721727.2).
Genomic context (GRCh38, chr14:64,119,430, plus strand): 5'-GGCACAATACTTCTTCAAGAACAACATTATGAATAATTAAATGCTTTTATTTCCTAGGCT[A>T]TGCTAACAGAGATTGAGCACAAGGTTGCCTTTCTGTTAGAGACTTGCAAAGATCAGGGCC-3'
Protein context (NP_878918.2, residues 4272-4292): LEQQLVGCQA[Met4282Leu]LTEIEHKVAF

ClinVar aggregate classification (germline): Uncertain significance (1 of 4 stars; one submission).

Conditions:
Emery-Dreifuss muscular dystrophy 5, autosomal dominant (EDMD5). Also called: EMERY-DREIFUSS MUSCULAR DYSTROPHY 5. Identifiers: Orphanet 261, MedGen C2751805, MONDO:0013072, OMIM 612999.

Submission:

Labcorp Genetics (formerly Invitae), Labcorp
Classification: Uncertain significance for Emery-Dreifuss muscular dystrophy 5, autosomal dominant. Last evaluated: 2024-09-28. Review status: criteria provided, single submitter. Criteria: Invitae Variant Classification Sherloc (09022015). Collection method: clinical testing. Allele origin: germline.
Comment: This sequence change replaces methionine, which is neutral and non-polar, with leucine, which is neutral and non-polar, at codon 4282 of the SYNE2 protein (p.Met4282Leu). This variant is not present in population databases (gnomAD no frequency). This variant has not been reported in the literature in individuals affected with SYNE2-related conditions. An algorithm developed to predict the effect of missense changes on protein structure and function (PolyPhen-2) suggests that this variant is likely to be tolerated. In summary, the available evidence is currently insufficient to determine the role of this variant in disease. Therefore, it has been classified as a Variant of Uncertain Significance.